The following is an entry in ClinVar:

NM_001079802.2(FKTN):c.247A>G (p.Ile83Val)

Gene: FKTN (fukutin; plus strand). Cytogenetic location: 9q31.2.
Variant type: single nucleotide variant.
Coding change: c.247A>G on transcript NM_001079802.2 (MANE Select); coding-DNA position 247, A replaced by G.
Protein change: p.Ile83Val; replaces isoleucine 83 with valine.
Molecular consequence: missense variant. On other transcripts: 5 prime UTR variant (4), non-coding transcript variant (2).
Genome position (GRCh38, 1-based): chr9:105,601,226, A>G. VCF-style: chr9-105601226-A-G. GRCh37 (hg19) VCF-style: chr9-108363507-A-G.
Other names: c.247A>G, p.Ile83Val (NM_001198963.2, NM_001351496.2, NM_001351498.2 and 1 more transcripts); c.178A>G, p.Ile60Val (NM_001351497.2); c.-268A>G (NM_001351499.2, NM_001351500.2, NM_001351501.2 and 1 more transcripts); short protein forms I60V, I83V.
Identifiers: ClinVar variation 951821 (VCV000951821.12), dbSNP rs757798867, ClinGen allele CA5170361.
Genomic context (GRCh38, chr9:105,601,226, plus strand): 5'-ATGTTAACATCCAACCAAAATGTACCAGTGTTTCTTATTGATCCTTTGATACTGGAATTG[A>G]TTAATAAGAACTTTGAACAAGTCAAAAATACTTCTCATGGCTCTACTTCACAATGCAAGT-3'
Protein context (NP_001073270.1, residues 73-93): FLIDPLILEL[Ile83Val]NKNFEQVKNT

ClinVar aggregate classification (germline): Uncertain significance. Review status: criteria provided, multiple submitters, no conflicts (2 of 4 stars). 3 submissions from 3 submitters: Uncertain significance (2). 1 of the submissions does not count toward it. Last evaluated 2025-08-24.

Conditions:
Walker-Warburg congenital muscular dystrophy. Also called: Muscular dystrophy-dystroglycanopathy, type A; Walker-Warburg syndrome. Identifiers: Orphanet 899, MedGen C0265221, MONDO:0000171.
Cardiovascular phenotype. Identifiers: MedGen CN230736.

Allele frequency attached by ClinVar (database versions not stated): TOPMed below 0.00001; ExAC 0.00001; gnomAD exomes 0.00001; gnomAD 0.00003.
gnomAD v4.1: 17 of 1,610,452 alleles (0.0011%); highest among the groups gnomAD compares: Admixed American, 0.0017%; no homozygotes.

Submissions (3):

Ambry Genetics
Classification: Uncertain significance for Cardiovascular phenotype. Last evaluated: 2025-08-24. Review status: criteria provided, single submitter. Criteria: Ambry Variant Classification Scheme 2023. Collection method: clinical testing. Allele origin: germline.
Comment: The p.I83V variant (also known as c.247A>G), located in coding exon 3 of the FKTN gene, results from an A to G substitution at nucleotide position 247. The isoleucine at codon 83 is replaced by valine, an amino acid with highly similar properties. This amino acid position is conserved. In addition, this alteration is predicted to be tolerated by in silico analysis. Since supporting evidence is limited at this time, the clinical significance of this alteration remains unclear.

Labcorp Genetics (formerly Invitae), Labcorp
Classification: Uncertain significance for Walker-Warburg congenital muscular dystrophy. Last evaluated: 2022-07-19. Review status: criteria provided, single submitter. Criteria: Invitae Variant Classification Sherloc (09022015). Collection method: clinical testing. Allele origin: germline.
Comment: This sequence change replaces isoleucine, which is neutral and non-polar, with valine, which is neutral and non-polar, at codon 83 of the FKTN protein (p.Ile83Val). This variant is present in population databases (rs757798867, gnomAD 0.003%). This variant has not been reported in the literature in individuals affected with FKTN-related conditions. ClinVar contains an entry for this variant (Variation ID: 951821). Algorithms developed to predict the effect of missense changes on protein structure and function output the following: SIFT: "Tolerated"; PolyPhen-2: "Benign"; Align-GVGD: "Class C0". The valine amino acid residue is found in multiple mammalian species, which suggests that this missense change does not adversely affect protein function. In summary, the available evidence is currently insufficient to determine the role of this variant in disease. Therefore, it has been classified as a Variant of Uncertain Significance.

Natera, Inc.
Classification: Uncertain significance for Walker-Warburg congenital muscular dystrophy. Last evaluated: 2020-09-16. Review status: no assertion criteria provided. Collection method: clinical testing. Allele origin: germline. Not counted in ClinVar's aggregate classification.